The following is an entry in ClinVar:

ClinVar aggregate classification (germline): Uncertain significance. Review status: criteria provided, multiple submitters, no conflicts (2 of 4 stars). 3 submissions from 3 submitters: Uncertain significance (3). Last evaluated 2026-02-04.

Conditions:
MYH14-related disorder. Also called: MYH14-related condition.
Peripheral neuropathy-myopathy-hoarseness-hearing loss syndrome. Identifiers: Orphanet 397744, MedGen C3280556, MONDO:0013711, OMIM 614369.

Allele frequency attached by ClinVar (database versions not stated): ExAC 0.00002; gnomAD exomes 0.00002 and 0.00005; TOPMed 0.00002; gnomAD 0.00003.
gnomAD v4.1: 81 of 1,613,828 alleles (0.005%); highest among the groups gnomAD compares: Non-Finnish European, 0.0062%; no homozygotes.

Submissions (3):

PreventionGenetics, part of Exact Sciences
Classification: Uncertain significance for MYH14-related condition. Last evaluated: 2026-02-04. Review status: criteria provided, single submitter. Criteria: ACMG Guidelines, 2015. Collection method: clinical testing. Allele origin: germline.
Comment: The MYH14 c.500G>A variant is predicted to result in the amino acid substitution p.Arg167His. This variant was reported in the heterozygous state in an individual with hearing loss and was inherited from their affected father (Petrova et al. 2023. PubMed ID: 36743950). This variant is reported in 0.0041% of alleles in individuals of African descent in gnomAD. At this time, the clinical significance of this variant is uncertain due to the absence of conclusive functional and genetic evidence.

Labcorp Genetics (formerly Invitae), Labcorp
Classification: Uncertain significance. Last evaluated: 2024-08-31. Review status: criteria provided, single submitter. Criteria: Invitae Variant Classification Sherloc (09022015). Collection method: clinical testing. Allele origin: germline.
Comment: This sequence change replaces arginine, which is basic and polar, with histidine, which is basic and polar, at codon 167 of the MYH14 protein (p.Arg167His). This variant is present in population databases (rs776632941, gnomAD 0.003%). This missense change has been observed in individual(s) with nonsyndromic deafness (PMID: 36743950). ClinVar contains an entry for this variant (Variation ID: 1476426). Invitae Evidence Modeling of protein sequence and biophysical properties (such as structural, functional, and spatial information, amino acid conservation, physicochemical variation, residue mobility, and thermodynamic stability) indicates that this missense variant is expected to disrupt MYH14 protein function with a positive predictive value of 80%. In summary, the available evidence is currently insufficient to determine the role of this variant in disease. Therefore, it has been classified as a Variant of Uncertain Significance.

Neuberg Centre For Genomic Medicine, NCGM
Classification: Uncertain significance for Peripheral neuropathy-myopathy-hoarseness-hearing loss syndrome. Last evaluated: 2023-06-22. Review status: criteria provided, single submitter. Criteria: ACMG Guidelines, 2015. Collection method: clinical testing. Allele origin: germline. Inheritance: Autosomal dominant inheritance. Affected: yes.
Comment: The missense c.500G>A (p.Arg167His) variant in the MYH14 gene has not been reported previously as a pathogenic variant nor as a benign variant, to our knowledge. This variant is reported with the allele frequency (0.001%) in the gnomAD Exomes. This variant has been reported to the ClinVar database as Uncertain Significance. However, no details are available for independent assessment. The amino acid Arginine at position 167 is changed to a Histidine changing protein sequence and it might alter its composition and physico-chemical properties. Multiple lines of computational evidence (Polyphen - Damaging, SIFT – Damaging and MutationTaster - Disease causing) predict a damaging effect on protein structure and function for this variant. The amino acid Arginine in MYH14 is predicted as conserved by GERP++ and PhyloP across 100 vertebrates. For these reasons, this variant has been classified as Uncertain Significance.

Literature cited by the submitters: PubMed 36743950 (cited by Labcorp Genetics (formerly Invitae), Labcorp).

NM_001145809.2(MYH14):c.500G>A (p.Arg167His)

Gene: MYH14 (myosin heavy chain 14; plus strand). Cytogenetic location: 19q13.33.
Variant type: single nucleotide variant.
Coding change: c.500G>A on transcript NM_001145809.2 (MANE Select); coding-DNA position 500, G replaced by A.
Protein change: p.Arg167His; replaces arginine 167 with histidine.
Molecular consequence: missense variant.
Genome position (GRCh38, 1-based): chr19:50,217,709, G>A. VCF-style: chr19-50217709-G-A. GRCh37 (hg19) VCF-style: chr19-50720966-G-A.
Other names: c.500G>A (NM_001145809.1); c.500G>A, p.Arg167His (NM_001077186.2, NM_024729.4); short protein forms R167H.
Identifiers: ClinVar variation 1476426 (VCV001476426.8), dbSNP rs776632941, ClinGen allele CA9592275.